The following is an entry in ClinVar:

NM_001323289.2(CDKL5):c.1944+6G>A

Gene: CDKL5 (cyclin dependent kinase like 5; plus strand). Cytogenetic location: Xp22.13.
Variant type: single nucleotide variant.
Coding change: c.1944+6G>A on transcript NM_001323289.2 (MANE Select); 6 bases into the intron after coding-DNA position 1944, G replaced by A.
Molecular consequence: intron variant.
Genome position (GRCh38, 1-based): chrX:18,604,874, G>A. VCF-style: chrX-18604874-G-A. GRCh37 (hg19) VCF-style: chrX-18622994-G-A.
Other names: c.1944+6G>A (NM_003159.3, NM_001037343.2).
Identifiers: ClinVar variation 680966 (VCV000680966.1), dbSNP rs1602287049, ClinGen allele CA915950769.

ClinVar aggregate classification (germline): Likely benign (1 of 4 stars; one submission).

gnomAD v4.1: 1 of 1,211,449 alleles (0.000083%); highest among the groups gnomAD compares: East Asian, 0.003%; no homozygotes.

Submission:

GeneDx
Classification: Likely benign. Last evaluated: 2018-03-20. Review status: criteria provided, single submitter. Criteria: GeneDx Variant Classification (06012015). Collection method: clinical testing. Allele origin: germline. Affected: yes.
Comment: This variant is considered likely benign or benign based on one or more of the following criteria: it is a conservative change, it occurs at a poorly conserved position in the protein, it is predicted to be benign by multiple in silico algorithms, and/or has population frequency not consistent with disease.